The following is an entry in ClinVar:

ClinVar aggregate classification (germline): Likely benign (1 of 4 stars; one submission).

gnomAD v4.1: 6,462 of 1,605,760 alleles (0.4%); highest among the groups gnomAD compares: Middle Eastern, 0.98%; 33 homozygotes.

Submission:

CeGaT Center for Human Genetics Tuebingen
Classification: Likely benign. Last evaluated: 2026-07-01. Review status: criteria provided, single submitter. Criteria: CeGaT Center For Human Genetics Tuebingen Variant Classification Criteria Version 2. Collection method: clinical testing. Allele origin: germline. Affected: yes. Observed: 23 variant alleles.
Comment: CAPRIN1: BP4, BS2

NM_005898.5(CAPRIN1):c.217-4A>G

Gene: CAPRIN1 (cell cycle associated protein 1; plus strand). Cytogenetic location: 11p13.
Variant type: single nucleotide variant.
Coding change: c.217-4A>G on transcript NM_005898.5 (MANE Select); 4 bases into the intron before coding-DNA position 217, A replaced by G.
Molecular consequence: intron variant.
Genome position (GRCh38, 1-based): chr11:34,071,722, A>G. VCF-style: chr11-34071722-A-G. GRCh37 (hg19) VCF-style: chr11-34093269-A-G.
Other names: c.217-4A>G (NM_203364.3).
Identifiers: ClinVar variation 3387887 (VCV003387887.14).